The following is an entry in ClinVar:

ClinVar aggregate classification (germline): Uncertain significance (1 of 4 stars; one submission).

Conditions:
Familial acute necrotizing encephalopathy (IIAE3). Also called: ENCEPHALOPATHY, ACUTE, INFECTION-INDUCED, SUSCEPTIBILITY TO, 3; Susceptibility to Acute Necrotizing Encephalopathy 1. Identifiers: Orphanet 88619, MedGen C2675556, MONDO:0011953, OMIM 608033.

Allele frequency attached by ClinVar (database versions not stated): gnomAD exomes 0.00001 and 0.00004; gnomAD 0.00006; ExAC 0.00008.
gnomAD v4.1: 24 of 1,610,892 alleles (0.0015%); highest among the groups gnomAD compares: African/African-American, 0.013%; no homozygotes.

Submission:

Labcorp Genetics (formerly Invitae), Labcorp
Classification: Uncertain significance for Familial acute necrotizing encephalopathy. Last evaluated: 2022-07-26. Review status: criteria provided, single submitter. Criteria: Invitae Variant Classification Sherloc (09022015). Collection method: clinical testing. Allele origin: germline.
Comment: This sequence change replaces leucine, which is neutral and non-polar, with serine, which is neutral and polar, at codon 2108 of the RANBP2 protein (p.Leu2108Ser). The frequency data for this variant in the population databases is considered unreliable, as metrics indicate poor data quality at this position in the gnomAD database. This variant has not been reported in the literature in individuals affected with RANBP2-related conditions. ClinVar contains an entry for this variant (Variation ID: 959890). Algorithms developed to predict the effect of missense changes on protein structure and function (SIFT, PolyPhen-2, Align-GVGD) all suggest that this variant is likely to be disruptive. In summary, the available evidence is currently insufficient to determine the role of this variant in disease. Therefore, it has been classified as a Variant of Uncertain Significance.

NM_006267.5(RANBP2):c.6323T>C (p.Leu2108Ser)

Gene: RANBP2 (RAN binding protein 2; plus strand). Cytogenetic location: 2q13.
Variant type: single nucleotide variant.
Coding change: c.6323T>C on transcript NM_006267.5 (MANE Select); coding-DNA position 6323, T replaced by C.
Protein change: p.Leu2108Ser; replaces leucine 2108 with serine.
Molecular consequence: missense variant.
Genome position (GRCh38, 1-based): chr2:108,766,862, T>C. VCF-style: chr2-108766862-T-C. GRCh37 (hg19) VCF-style: chr2-109383318-T-C.
Other names: short protein forms L2108S.
Identifiers: ClinVar variation 959890 (VCV000959890.10), dbSNP rs756955122, ClinGen allele CA1823422.